The following is an entry in ClinVar:

NM_003907.3(EIF2B5):c.195+1G>T

Gene: EIF2B5 (eukaryotic translation initiation factor 2B subunit epsilon; plus strand). Cytogenetic location: 3q27.1.
Variant type: single nucleotide variant.
Coding change: c.195+1G>T on transcript NM_003907.3 (MANE Select); the canonical splice donor site of the intron after coding-DNA position 195, G replaced by T.
Molecular consequence: splice donor variant.
Genome position (GRCh38, 1-based): chr3:184,135,581, G>T. VCF-style: chr3-184135581-G-T. GRCh37 (hg19) VCF-style: chr3-183853369-G-T.
Identifiers: ClinVar variation 939521 (VCV000939521.8), dbSNP rs1713312742, ClinGen allele CA355381419.

ClinVar aggregate classification (germline): Likely pathogenic (1 of 4 stars; one submission).

Submission:

Labcorp Genetics (formerly Invitae), Labcorp
Classification: Likely pathogenic. Last evaluated: 2019-06-22. Review status: criteria provided, single submitter. Criteria: Invitae Variant Classification Sherloc (09022015). Collection method: clinical testing. Allele origin: germline.
Comment: In summary, the currently available evidence indicates that the variant is pathogenic, but additional data are needed to prove that conclusively. Therefore, this variant has been classified as Likely Pathogenic. Donor and acceptor splice site variants typically lead to a loss of protein function (PMID: 16199547), and loss-of-function variants in EIF2B5 are known to be pathogenic (PMID: 11704758, 15060152, 21307862). Algorithms developed to predict the effect of sequence changes on RNA splicing suggest that this variant may disrupt the consensus splice site, but this prediction has not been confirmed by published transcriptional studies. This variant has not been reported in the literature in individuals with EIF2B5-related conditions. This variant is not present in population databases (ExAC no frequency). This sequence change affects a donor splice site in intron 1 of the EIF2B5 gene. It is expected to disrupt RNA splicing and likely results in an absent or disrupted protein product.

Literature cited by the submitters: PubMed 16199547; PubMed 11704758; PubMed 15060152; PubMed 21307862.